The following is an entry in ClinVar:

NM_007118.4(TRIO):c.4424-8T>A

Gene: TRIO (trio Rho guanine nucleotide exchange factor; plus strand). Cytogenetic location: 5p15.2.
Variant type: single nucleotide variant.
Coding change: c.4424-8T>A on transcript NM_007118.4 (MANE Select); 8 bases into the intron before coding-DNA position 4424, T replaced by A.
Molecular consequence: intron variant.
Genome position (GRCh38, 1-based): chr5:14,398,872, T>A. VCF-style: chr5-14398872-T-A. GRCh37 (hg19) VCF-style: chr5-14398981-T-A.
Identifiers: ClinVar variation 4293203 (VCV004293203.1).

ClinVar aggregate classification (germline): Uncertain significance (1 of 4 stars; one submission).

Conditions:
TRIO-related disorder. Also called: TRIO-related condition; TRIO-related disorders.

Submission:

3billion
Classification: Uncertain significance for TRIO-related disorder. Last evaluated: 2024-06-20. Review status: criteria provided, single submitter. Criteria: ACMG Guidelines, 2015. Collection method: clinical testing. Allele origin: germline. Affected: yes.
Comment: The variant is not observed in the gnomAD v4.0.0 dataset. Predicted Consequence/Location: Intron variant In silico tools predict the variant to alter splicing and produce an abnormal transcript [SpliceAI: 0.63 (>=0.2, moderate evidence for spliceogenicity)]. Therefore, this variant is classified as VUS according to the recommendation of ACMG/AMP guideline.